The following is an entry in ClinVar:

ClinVar aggregate classification (germline): Uncertain significance (1 of 4 stars; one submission).

Conditions:
Cardiovascular phenotype. Identifiers: MedGen CN230736.
Hereditary cancer-predisposing syndrome. Also called: Neoplastic Syndromes, Hereditary; Tumor predisposition; Hereditary Cancer Syndrome; Hereditary neoplastic syndrome. Identifiers: Orphanet 140162, MedGen C0027672, MeSH D009386, MONDO:0015356.

gnomAD v4.1: 3 of 1,612,834 alleles (0.00019%); highest among the groups gnomAD compares: Non-Finnish European, 0.00025%; no homozygotes.

Submission:

Ambry Genetics
Classification: Uncertain significance for Cardiovascular phenotype; Hereditary cancer-predisposing syndrome. Last evaluated: 2021-06-03. Review status: criteria provided, single submitter. Criteria: Ambry Variant Classification Scheme 2023. Collection method: clinical testing. Allele origin: germline.
Comment: The p.E2123D variant (also known as c.6369G>C), located in coding exon 42 of the NF1 gene, results from a G to C substitution at nucleotide position 6369. The glutamic acid at codon 2123 is replaced by aspartic acid, an amino acid with highly similar properties. This amino acid position is highly conserved in available vertebrate species. In addition, the in silico prediction for this alteration is inconclusive. Since supporting evidence is limited at this time, the clinical significance of this alteration remains unclear.

NM_001042492.3(NF1):c.6432G>C (p.Glu2144Asp)

Gene: NF1 (neurofibromin 1; plus strand). Cytogenetic location: 17q11.2.
Variant type: single nucleotide variant.
Coding change: c.6432G>C on transcript NM_001042492.3 (MANE Select); coding-DNA position 6432, G replaced by C.
Protein change: p.Glu2144Asp; replaces glutamic acid 2144 with aspartic acid.
Molecular consequence: missense variant.
Genome position (GRCh38, 1-based): chr17:31,337,372, G>C. VCF-style: chr17-31337372-G-C. GRCh37 (hg19) VCF-style: chr17-29664390-G-C.
Other names: c.6369G>C, p.Glu2123Asp (NM_000267.4); short protein forms E2123D, E2144D.
Identifiers: ClinVar variation 1753085 (VCV001753085.2), dbSNP rs2151555941, ClinGen allele CA399012995.